The following is an entry in ClinVar:

ClinVar aggregate classification (germline): Benign. Review status: criteria provided, multiple submitters, no conflicts (2 of 4 stars). 2 submissions from 2 submitters: Benign (2). Last evaluated 2026-08-01.

Allele frequency attached by ClinVar (database versions not stated): 1000 Genomes Project 0.00240; 1000 Genomes Project 30x 0.00297.
gnomAD v4.1: 11,151 of 1,613,882 alleles (0.69%); highest among the groups gnomAD compares: Non-Finnish European, 0.76%; 63 homozygotes.

Submissions (2):

CeGaT Center for Human Genetics Tuebingen
Classification: Benign. Last evaluated: 2026-08-01. Review status: criteria provided, single submitter. Criteria: CeGaT Center For Human Genetics Tuebingen Variant Classification Criteria Version 2. Collection method: clinical testing. Allele origin: germline. Affected: yes. Observed: 8 variant alleles.
Comment: JARID2: BP4, BP7, BS1, BS2

Labcorp Genetics (formerly Invitae), Labcorp
Classification: Benign. Last evaluated: 2019-12-31. Review status: criteria provided, single submitter. Criteria: Invitae Variant Classification Sherloc (09022015). Collection method: clinical testing. Allele origin: germline.

NM_004973.4(JARID2):c.597C>T (p.Thr199=)

Gene: JARID2 (jumonji and AT-rich interaction domain containing 2; plus strand). Cytogenetic location: 6p22.3.
Variant type: single nucleotide variant.
Coding change: c.597C>T on transcript NM_004973.4 (MANE Select); coding-DNA position 597, C replaced by T.
Protein change: p.Thr199=; no amino-acid change (threonine 199 retained).
Molecular consequence: synonymous variant.
Genome position (GRCh38, 1-based): chr6:15,468,645, C>T. VCF-style: chr6-15468645-C-T. GRCh37 (hg19) VCF-style: chr6-15468876-C-T.
Other names: c.81C>T, p.Thr27= (NM_001267040.1).
Identifiers: ClinVar variation 788355 (VCV000788355.28), dbSNP rs7768621, ClinGen allele CA3642632.